The following is an entry in ClinVar:

NM_001083116.3(PRF1):c.185_195del (p.Asp62fs)

Gene: PRF1 (perforin 1; minus strand). Cytogenetic location: 10q22.1.
Variant type: Deletion.
Coding change: c.185_195del on transcript NM_001083116.3 (MANE Select); coding-DNA positions 185 to 195, 11 bases deleted (ACACACAAAGG).
Protein change: p.Asp62fs; shifts the reading frame from aspartic acid 62.
Molecular consequence: frameshift variant.
Genome position (GRCh38, 1-based): chr10:70,600,708-70,600,718, CCTTTGTGTGT deleted on the plus strand (ACACACAAAGG on the coding strand, the reverse complement: PRF1 is on the minus strand); deleting any 11 consecutive bases within chr10:70,600,708-70,600,720 gives the same sequence; the c. name uses the placement nearest the transcript's 3' end. VCF-style (leftmost placement, unchanged base first): chr10-70600707-ACCTTTGTGTGT-A. GRCh37 (hg19) VCF-style: chr10-72360463-ACCTTTGTGTGT-A.
Other names: c.185_195del, p.Asp62fs (NM_005041.6); short protein forms D62fs.
Identifiers: ClinVar variation 1069593 (VCV001069593.10), dbSNP rs774071705, ClinGen allele CA5539103.
Genomic context (GRCh38, chr10:70,600,707, plus strand): 5'-GGAGGGTGCCCTCCTGTAGGGCATTTTCACAGAGGGTGCAGGTGCCGTCGGGCCGCAGGA[ACCTTTGTGTGT>A]CCACTGGGAAGGAGCCCGAGCGGCGGAGGCTGGTCACGTCCACACCCTCCCCGGCCAGCC-3'

ClinVar aggregate classification (germline): Pathogenic. Review status: criteria provided, multiple submitters, no conflicts (2 of 4 stars). 2 submissions from 2 submitters: Pathogenic (2). Last evaluated 2025-11-05.

Conditions:
Aplastic anemia. Identifiers: Orphanet 182040, Orphanet 88, MedGen C0002874, MONDO:0015909, OMIM 609135, HP:0001915.
Familial hemophagocytic lymphohistiocytosis 2 (FHL2). Also called: PRF1-Related Familial Hemophagocytic Lymphohistiocytosis (PRF1-fHLH). Identifiers: Orphanet 540, MedGen C1863727, MONDO:0011337, OMIM 603553.

Submissions (2):

Labcorp Genetics (formerly Invitae), Labcorp
Classification: Pathogenic for Familial hemophagocytic lymphohistiocytosis 2. Last evaluated: 2025-11-05. Review status: criteria provided, single submitter. Criteria: Invitae Variant Classification Sherloc (09022015). Collection method: clinical testing. Allele origin: germline.
Comment: This sequence change creates a premature translational stop signal (p.Asp62Valfs*12) in the PRF1 gene. It is expected to result in an absent or disrupted protein product. Loss-of-function variants in PRF1 are known to be pathogenic (PMID: 1156555, 16860143). This variant is present in population databases (rs774071705, gnomAD 0.004%). This premature translational stop signal has been observed in individual(s) with familial hemophagocytic lymphohistiocytosis (PMID: 16278825). ClinVar contains an entry for this variant (Variation ID: 1069593). For these reasons, this variant has been classified as Pathogenic.

Baylor Genetics
Classification: Pathogenic for Aplastic anemia. Last evaluated: 2023-07-11. Review status: criteria provided, single submitter. Criteria: ACMG Guidelines, 2015. Collection method: clinical testing. Allele origin: unknown.

Literature cited by the submitters: PubMed 1156555 (cited by Labcorp Genetics (formerly Invitae), Labcorp); PubMed 16860143 (cited by Labcorp Genetics (formerly Invitae), Labcorp); PubMed 16278825 (cited by Labcorp Genetics (formerly Invitae), Labcorp).